The following is an entry in ClinVar:

ClinVar aggregate classification (germline): Uncertain significance (1 of 4 stars; one submission).

Conditions:
Inborn genetic diseases. Identifiers: MedGen C0950123, MeSH D030342.

Submission:

Ambry Genetics
Classification: Uncertain significance for Inborn genetic diseases. Last evaluated: 2026-07-02. Review status: criteria provided, single submitter. Criteria: Ambry Variant Classification Scheme 2023. Collection method: clinical testing. Allele origin: germline.
Comment: The p.F357C variant (also known as c.1070T>G), located in coding exon 6 of the ETV6 gene, results from a T to G substitution at nucleotide position 1070. The phenylalanine at codon 357 is replaced by cysteine, an amino acid with highly dissimilar properties. This amino acid position is conserved. In addition, the in silico prediction for this alteration is inconclusive. Based on the available evidence, the clinical significance of this variant remains unclear.

NM_001987.5(ETV6):c.1070T>G (p.Phe357Cys)

Genes: ETV6 (ETS variant transcription factor 6; plus strand), LOC126861452 (CDK7 strongly-dependent group 2 enhancer GRCh37_chr12:12037195-12038394; plus strand). Cytogenetic location: 12p13.2.
Variant type: single nucleotide variant.
Coding change: c.1070T>G on transcript NM_001987.5 (MANE Select); coding-DNA position 1070, T replaced by G.
Protein change: p.Phe357Cys; replaces phenylalanine 357 with cysteine.
Molecular consequence: missense variant. On other transcripts: intron variant (1).
Genome position (GRCh38, 1-based): chr12:11,884,505, T>G. VCF-style: chr12-11884505-T-G. GRCh37 (hg19) VCF-style: chr12-12037439-T-G.
Other names: c.1067T>G, p.Phe356Cys (NM_001413913.1); c.1043T>G, p.Phe348Cys (NM_001413914.1); c.806T>G, p.Phe269Cys (NM_001413915.1); c.1010-6436T>G (NM_001413917.1); short protein forms F348C, F356C, F357C, F269C.
Identifiers: ClinVar variation 5036158 (VCV005036158.1).
Genomic context (GRCh38, chr12:11,884,505, plus strand): 5'-ACTGTAGACTGCTTTGGGATTACGTCTATCAGTTGCTTTCTGACAGCCGGTACGAAAACT[T>G]CATCCGATGGGAGGACAAAGAATCCAAAATATTCCGGATAGTGGATCCCAACGGACTGGC-3'
Protein context (NP_001978.1, residues 347-367): QLLSDSRYEN[Phe357Cys]IRWEDKESKI